The following is an entry in ClinVar:

ClinVar aggregate classification (germline): Uncertain significance. Review status: criteria provided, multiple submitters, no conflicts (2 of 4 stars). 2 submissions from 2 submitters: Uncertain significance (2). Last evaluated 2023-12-16.

Conditions:
Inborn genetic diseases. Identifiers: MedGen C0950123, MeSH D030342.
LAMA2-related muscular dystrophy (LAMA2-RD). Also called: Laminin alpha 2-related dystrophy. Identifiers: MedGen C5679788, MONDO:0100228.

Allele frequency attached by ClinVar (database versions not stated): gnomAD exomes below 0.00001; gnomAD 0.00001; TOPMed 0.00002.
gnomAD v4.1: 2 of 1,612,502 alleles (0.00012%); highest among the groups gnomAD compares: African/African-American, 0.0027%; no homozygotes.

Submissions (2):

Ambry Genetics
Classification: Uncertain significance for Inborn genetic diseases. Last evaluated: 2023-12-16. Review status: criteria provided, single submitter. Criteria: Ambry Variant Classification Scheme 2023. Collection method: clinical testing. Allele origin: germline.

Labcorp Genetics (formerly Invitae), Labcorp
Classification: Uncertain significance for LAMA2-related muscular dystrophy. Last evaluated: 2021-02-18. Review status: criteria provided, single submitter. Criteria: Invitae Variant Classification Sherloc (09022015). Collection method: clinical testing. Allele origin: germline.
Comment: In summary, the available evidence is currently insufficient to determine the role of this variant in disease. Therefore, it has been classified as a Variant of Uncertain Significance. Algorithms developed to predict the effect of missense changes on protein structure and function are either unavailable or do not agree on the potential impact of this missense change (SIFT: "Tolerated"; PolyPhen-2: "Probably Damaging"; Align-GVGD: "Class C0"). This variant has not been reported in the literature in individuals with LAMA2-related conditions. This variant is not present in population databases (ExAC no frequency). This sequence change replaces isoleucine with threonine at codon 2468 of the LAMA2 protein (p.Ile2468Thr). The isoleucine residue is moderately conserved and there is a moderate physicochemical difference between isoleucine and threonine.

NM_000426.4(LAMA2):c.7403T>C (p.Ile2468Thr)

Gene: LAMA2 (laminin subunit alpha 2; plus strand). Cytogenetic location: 6q22.33.
Variant type: single nucleotide variant.
Coding change: c.7403T>C on transcript NM_000426.4 (MANE Select); coding-DNA position 7403, T replaced by C.
Protein change: p.Ile2468Thr; replaces isoleucine 2468 with threonine.
Molecular consequence: missense variant.
Genome position (GRCh38, 1-based): chr6:129,473,316, T>C. VCF-style: chr6-129473316-T-C. GRCh37 (hg19) VCF-style: chr6-129794461-T-C.
Other names: c.7403T>C, p.Ile2468Thr (NM_001079823.2); c.7403T>C (NM_000426.3); short protein forms I2468T.
Identifiers: ClinVar variation 1043268 (VCV001043268.10), dbSNP rs965128987, ClinGen allele CA146898605.